The following is an entry in ClinVar:

NM_001291815.2(HMCN2):c.6663C>T (p.His2221=)

Gene: HMCN2 (hemicentin 2; plus strand). Cytogenetic location: 9q34.11.
Variant type: single nucleotide variant.
Coding change: c.6663C>T on transcript NM_001291815.2 (MANE Select); coding-DNA position 6663, C replaced by T.
Protein change: p.His2221=; no amino-acid change (histidine 2221 retained).
Molecular consequence: synonymous variant.
Genome position (GRCh38, 1-based): chr9:130,368,313, C>T. VCF-style: chr9-130368313-C-T. GRCh37 (hg19) VCF-style: chr9-133243700-C-T.
Identifiers: ClinVar variation 4084534 (VCV004084534.8).

ClinVar aggregate classification (germline): Likely benign (1 of 4 stars; one submission).

gnomAD v4.1: 7 of 985,618 alleles (0.00071%); highest among the groups gnomAD compares: African/African-American, 0.0017%; no homozygotes.

Submission:

CeGaT Center for Human Genetics Tuebingen
Classification: Likely benign. Last evaluated: 2025-08-01. Review status: criteria provided, single submitter. Criteria: CeGaT Center For Human Genetics Tuebingen Variant Classification Criteria Version 2. Collection method: clinical testing. Allele origin: germline. Affected: yes. Observed: 1 variant allele.
Comment: HMCN2: BP4, BP7